The following is an entry in ClinVar:

NM_000152.5(GAA):c.758C>G (p.Pro253Arg)

Gene: GAA (alpha glucosidase; plus strand). Cytogenetic location: 17q25.3.
Variant type: single nucleotide variant.
Coding change: c.758C>G on transcript NM_000152.5 (MANE Select); coding-DNA position 758, C replaced by G.
Protein change: p.Pro253Arg; replaces proline 253 with arginine.
Molecular consequence: missense variant.
Genome position (GRCh38, 1-based): chr17:80,107,622, C>G. VCF-style: chr17-80107622-C-G. GRCh37 (hg19) VCF-style: chr17-78081421-C-G.
Other names: c.758C>G, p.Pro253Arg (NM_001079803.3, NM_001079804.3); c.758C>G (LRG_673t1); short protein forms P253R.
Identifiers: ClinVar variation 456437 (VCV000456437.7), dbSNP rs1169157671, ClinGen allele CA401363344.
Genomic context (GRCh38, chr17:80,107,622, plus strand): 5'-ACACGACGGTGGCGCCCCTGTTCTTTGCGGACCAGTTCCTTCAGCTGTCCACCTCGCTGC[C>G]CTCGCAGTATATCACAGGCCTCGCCGAGCACCTCAGTCCCCTGATGCTCAGCACCAGCTG-3'
Protein context (NP_000143.2, residues 243-263): DQFLQLSTSL[Pro253Arg]SQYITGLAEH

ClinVar aggregate classification (germline): Uncertain significance. Review status: criteria provided, multiple submitters, no conflicts (2 of 4 stars). 4 submissions from 4 submitters: Uncertain significance (4). Last evaluated 2025-04-20.

Conditions:
Cardiovascular phenotype. Identifiers: MedGen CN230736.
Glycogen storage disease, type II (IOPD). Also called: POMPE DISEASE, INFANTILE-ONSET; GLYCOGEN STORAGE DISEASE II, INFANTILE-ONSET; ACID ALPHA-GLUCOSIDASE DEFICIENCY, INFANTILE-ONSET; GAA DEFICIENCY, INFANTILE-ONSET; ACID MALTASE DEFICIENCY, INFANTILE-ONSET; Glucosidase acid-1,4-alpha deficiency. Identifiers: Orphanet 365, MedGen C0017921, MONDO:0009290, OMIM 232300.

Allele frequency attached by ClinVar (database versions not stated): gnomAD 0.00001; gnomAD exomes 0.00001; TOPMed 0.00001.
gnomAD v4.1: 26 of 1,613,112 alleles (0.0016%); highest among the groups gnomAD compares: Non-Finnish European, 0.0022%; no homozygotes.

Submissions (4):

Ambry Genetics
Classification: Uncertain significance for Cardiovascular phenotype. Last evaluated: 2025-04-20. Review status: criteria provided, single submitter. Criteria: Ambry Variant Classification Scheme 2023. Collection method: clinical testing. Allele origin: germline.

Blueprint Genetics
Classification: Uncertain significance. Last evaluated: 2024-11-19. Review status: criteria provided, single submitter. Criteria: ACMG Guidelines, 2015. Collection method: clinical testing. Allele origin: germline.

Labcorp Genetics (formerly Invitae), Labcorp
Classification: Uncertain significance for Glycogen storage disease, type II. Last evaluated: 2024-06-05. Review status: criteria provided, single submitter. Criteria: Invitae Variant Classification Sherloc (09022015). Collection method: clinical testing. Allele origin: germline.
Comment: This sequence change replaces proline, which is neutral and non-polar, with arginine, which is basic and polar, at codon 253 of the GAA protein (p.Pro253Arg). This variant is present in population databases (no rsID available, gnomAD 0.0009%). This variant has not been reported in the literature in individuals affected with GAA-related conditions. ClinVar contains an entry for this variant (Variation ID: 456437). Advanced modeling of protein sequence and biophysical properties (such as structural, functional, and spatial information, amino acid conservation, physicochemical variation, residue mobility, and thermodynamic stability) performed at Invitae indicates that this missense variant is expected to disrupt GAA protein function with a positive predictive value of 95%. In summary, the available evidence is currently insufficient to determine the role of this variant in disease. Therefore, it has been classified as a Variant of Uncertain Significance.

Revvity Omics, Revvity
Classification: Uncertain significance. Last evaluated: 2023-11-14. Review status: criteria provided, single submitter. Criteria: ACMG Guidelines, 2015. Collection method: clinical testing. Allele origin: germline.